The following is an entry in ClinVar:

ClinVar aggregate classification (germline): Pathogenic (1 of 4 stars; one submission).

Allele frequency attached by ClinVar (database versions not stated): TOPMed 0.00001.

Submission:

Labcorp Genetics (formerly Invitae), Labcorp
Classification: Pathogenic. Last evaluated: 2023-05-24. Review status: criteria provided, single submitter. Criteria: Invitae Variant Classification Sherloc (09022015). Collection method: clinical testing. Allele origin: germline.
Comment: This sequence change creates a premature translational stop signal (p.Thr454Alafs*17) in the TULP1 gene. It is expected to result in an absent or disrupted protein product. Loss-of-function variants in TULP1 are known to be pathogenic (PMID: 8606774, 10549638, 15024725, 18055821). This variant is not present in population databases (gnomAD no frequency). This variant has not been reported in the literature in individuals affected with TULP1-related conditions. For these reasons, this variant has been classified as Pathogenic.

Literature cited by the submitters: PubMed 8606774; PubMed 10549638; PubMed 15024725; PubMed 18055821.

NM_003322.6(TULP1):c.1360_1361del (p.Thr454fs)

Gene: TULP1 (TUB like protein 1; minus strand). Cytogenetic location: 6p21.31.
Variant type: Deletion.
Coding change: c.1360_1361del on transcript NM_003322.6 (MANE Select); coding-DNA positions 1360 to 1361, 2 bases deleted (AC; older notation c.1360_1361delAC).
Protein change: p.Thr454fs; shifts the reading frame from threonine 454.
Molecular consequence: frameshift variant.
Genome position (GRCh38, 1-based): chr6:35,500,115-35,500,116, GT deleted on the plus strand (AC on the coding strand, the reverse complement: TULP1 is on the minus strand). VCF-style (leftmost placement, unchanged base first): chr6-35500114-CGT-C. GRCh37 (hg19) VCF-style: chr6-35467891-CGT-C.
Other names: c.1201_1202del, p.Thr401fs (NM_001289395.2); short protein forms T401fs, T454fs.
Identifiers: ClinVar variation 2868528 (VCV002868528.3), dbSNP rs1768803733, ClinGen allele CA1620929138.